The following is an entry in ClinVar:

NM_024675.4(PALB2):c.2017G>A (p.Glu673Lys)

Gene: PALB2 (partner and localizer of BRCA2; minus strand). Cytogenetic location: 16p12.2.
Variant type: single nucleotide variant.
Coding change: c.2017G>A on transcript NM_024675.4 (MANE Select); coding-DNA position 2017, G replaced by A.
Protein change: p.Glu673Lys; replaces glutamic acid 673 with lysine.
Molecular consequence: missense variant.
Genome position (GRCh38, 1-based): chr16:23,630,137, C>T on the plus strand (G>A on the coding strand, the complement: PALB2 is on the minus strand). VCF-style: chr16-23630137-C-T. GRCh37 (hg19) VCF-style: chr16-23641458-C-T.
Other names: short protein forms E673K.
Identifiers: ClinVar variation 460924 (VCV000460924.16), dbSNP rs1236182341, ClinGen allele CA395127047.

ClinVar aggregate classification (germline): Conflicting classifications of pathogenicity. Review status: criteria provided, conflicting classifications (1 of 4 stars). 3 submissions from 3 submitters: Uncertain significance (2); Likely benign (1). Last evaluated 2025-12-12.

Conditions:
Familial cancer of breast. Also called: BREAST CANCER, FAMILIAL; Hereditary breast cancer; hereditary breast carcinoma. Identifiers: Orphanet 227535, MedGen C0346153, MONDO:0016419, OMIM 114480. Disease mechanism: loss of function.
Hereditary cancer-predisposing syndrome. Also called: Neoplastic Syndromes, Hereditary; Hereditary Cancer Syndrome; Hereditary neoplastic syndrome; Tumor predisposition. Identifiers: Orphanet 140162, MedGen C0027672, MeSH D009386, MONDO:0015356.

Allele frequency attached by ClinVar (database versions not stated): gnomAD exomes below 0.00001.
gnomAD v4.1: 3 of 1,614,154 alleles (0.00019%); highest among the groups gnomAD compares: Non-Finnish European, 0.00025%; no homozygotes.

Submissions (3):

Ambry Genetics
Classification: Uncertain significance for Hereditary cancer-predisposing syndrome. Last evaluated: 2025-12-12. Review status: criteria provided, single submitter. Criteria: Ambry Variant Classification Scheme 2023. Collection method: clinical testing. Allele origin: germline.
Comment: The p.E673K variant (also known as c.2017G>A), located in coding exon 5 of the PALB2 gene, results from a G to A substitution at nucleotide position 2017. The glutamic acid at codon 673 is replaced by lysine, an amino acid with similar properties. This amino acid position is not well conserved in available vertebrate species. In addition, this alteration is predicted to be tolerated by in silico analysis. Since supporting evidence is limited at this time, the clinical significance of this alteration remains unclear.

Labcorp Genetics (formerly Invitae), Labcorp
Classification: Uncertain significance for Familial cancer of breast. Last evaluated: 2025-08-01. Review status: criteria provided, single submitter. Criteria: Invitae Variant Classification Sherloc (09022015). Collection method: clinical testing. Allele origin: germline.
Comment: This sequence change replaces glutamic acid, which is acidic and polar, with lysine, which is basic and polar, at codon 673 of the PALB2 protein (p.Glu673Lys). This variant is present in population databases (no rsID available, gnomAD 0.0009%). This variant has not been reported in the literature in individuals affected with PALB2-related conditions. ClinVar contains an entry for this variant (Variation ID: 460924). Invitae Evidence Modeling of protein sequence and biophysical properties (such as structural, functional, and spatial information, amino acid conservation, physicochemical variation, residue mobility, and thermodynamic stability) indicates that this missense variant is not expected to disrupt PALB2 protein function with a negative predictive value of 80%. In summary, the available evidence is currently insufficient to determine the role of this variant in disease. Therefore, it has been classified as a Variant of Uncertain Significance.

Myriad Genetics, Inc.
Classification: Likely benign for Familial cancer of breast. Last evaluated: 2025-01-15. Review status: criteria provided, single submitter. Criteria: Myriad Autosomal Dominant, Autosomal Recessive and X-Linked Classification Criteria (2023). Collection method: clinical testing. Allele origin: unknown.
Comment: This variant is considered likely benign. This variant has been observed in trans with a known pathogenic variant in one or more individuals lacking clinical features consistent with gene-specific recessive disease.